The following is an entry in ClinVar:

ClinVar aggregate classification (germline): Uncertain significance (1 of 4 stars; one submission).

Allele frequency attached by ClinVar (database versions not stated): 1000 Genomes Project 0.00020; gnomAD exomes 0.00023.
gnomAD v4.1: 160 of 1,610,890 alleles (0.0099%); highest among the groups gnomAD compares: South Asian, 0.16%; 4 homozygotes.

Submission:

Labcorp Genetics (formerly Invitae), Labcorp
Classification: Uncertain significance. Last evaluated: 2024-02-17. Review status: criteria provided, single submitter. Criteria: Invitae Variant Classification Sherloc (09022015). Collection method: clinical testing. Allele origin: germline.
Comment: This sequence change replaces valine, which is neutral and non-polar, with isoleucine, which is neutral and non-polar, at codon 279 of the ZCCHC8 protein (p.Val279Ile). This variant is present in population databases (rs370568988, gnomAD 0.2%), and has an allele count higher than expected for a pathogenic variant. This variant has not been reported in the literature in individuals affected with ZCCHC8-related conditions. ClinVar contains an entry for this variant (Variation ID: 1433231). Advanced modeling of protein sequence and biophysical properties (such as structural, functional, and spatial information, amino acid conservation, physicochemical variation, residue mobility, and thermodynamic stability) performed at Invitae indicates that this missense variant is not expected to disrupt ZCCHC8 protein function with a negative predictive value of 80%. In summary, the available evidence is currently insufficient to determine the role of this variant in disease. Therefore, it has been classified as a Variant of Uncertain Significance.

NM_017612.5(ZCCHC8):c.835G>A (p.Val279Ile)

Gene: ZCCHC8 (zinc finger CCHC-type containing 8; minus strand). Cytogenetic location: 12q24.31.
Variant type: single nucleotide variant.
Coding change: c.835G>A on transcript NM_017612.5 (MANE Select); coding-DNA position 835, G replaced by A.
Protein change: p.Val279Ile; replaces valine 279 with isoleucine.
Molecular consequence: missense variant.
Genome position (GRCh38, 1-based): chr12:122,481,985, C>T on the plus strand (G>A on the coding strand, the complement: ZCCHC8 is on the minus strand). VCF-style: chr12-122481985-C-T. GRCh37 (hg19) VCF-style: chr12-122966532-C-T.
Other names: c.604G>A, p.Val202Ile (NM_001350935.2); c.538G>A, p.Val180Ile (NM_001350936.2); c.121G>A, p.Val41Ile (NM_001350937.2, NM_001350938.2); short protein forms V41I, V180I, V202I, V279I.
Identifiers: ClinVar variation 1433231 (VCV001433231.8), dbSNP rs370568988, ClinGen allele CA6846354.
Genomic context (GRCh38, chr12:122,481,985, plus strand): 5'-TGGTAAAATGCCATTAGTACCTAATAACTCCTGGCTTGAATCTTCCAAATCTTTCTTCTA[C>T]TTCTTCTGCGTGGTATCGCTGCTGGAAATTCTGATTGTTTGCTTCTCCACAGGCATCCAT-3'
Protein context (NP_060082.2, residues 269-289): NFQQRYHAEE[Val279Ile]EERFGRFKPG